The following is an entry in ClinVar:

ClinVar aggregate classification (germline): Uncertain significance. Review status: criteria provided, multiple submitters, no conflicts (2 of 4 stars). 2 submissions from 2 submitters: Uncertain significance (2). Last evaluated 2024-03-06.

Conditions:
Hereditary cancer-predisposing syndrome. Also called: Neoplastic Syndromes, Hereditary; Tumor predisposition; Hereditary Cancer Syndrome; Hereditary neoplastic syndrome. Identifiers: Orphanet 140162, MedGen C0027672, MeSH D009386, MONDO:0015356.
Hereditary nonpolyposis colorectal neoplasms. Identifiers: MedGen C0009405, MeSH D003123.

Submissions (2):

Ambry Genetics
Classification: Uncertain significance for Hereditary cancer-predisposing syndrome. Last evaluated: 2024-03-06. Review status: criteria provided, single submitter. Criteria: Ambry Variant Classification Scheme 2023. Collection method: clinical testing. Allele origin: germline.
Comment: The p.V332L variant (also known as c.994G>C), located in coding exon 10 of the PMS2 gene, results from a G to C substitution at nucleotide position 994. The valine at codon 332 is replaced by leucine, an amino acid with highly similar properties. This amino acid position is highly conserved in available vertebrate species. In addition, the in silico prediction for this alteration is inconclusive. Based on the available evidence, the clinical significance of this alteration remains unclear.

Labcorp Genetics (formerly Invitae), Labcorp
Classification: Uncertain significance for Hereditary nonpolyposis colorectal neoplasms. Last evaluated: 2018-08-18. Review status: criteria provided, single submitter. Criteria: Invitae Variant Classification Sherloc (09022015). Collection method: clinical testing. Allele origin: germline.
Comment: This variant is not present in population databases (ExAC no frequency). In summary, the available evidence is currently insufficient to determine the role of this variant in disease. Therefore, it has been classified as a Variant of Uncertain Significance. Algorithms developed to predict the effect of missense changes on protein structure and function (SIFT, PolyPhen-2, Align-GVGD) all suggest that this variant is likely to be disruptive, but these predictions have not been confirmed by published functional studies and their clinical significance is uncertain. This variant has not been reported in the literature in individuals with PMS2-related disease. This sequence change replaces valine with leucine at codon 332 of the PMS2 protein (p.Val332Leu). The valine residue is highly conserved and there is a small physicochemical difference between valine and leucine.

NM_000535.7(PMS2):c.994G>C (p.Val332Leu)

Gene: PMS2 (PMS1 homolog 2, mismatch repair system component; minus strand). Cytogenetic location: 7p22.1.
Variant type: single nucleotide variant.
Coding change: c.994G>C on transcript NM_000535.7 (MANE Select); coding-DNA position 994, G replaced by C.
Protein change: p.Val332Leu; replaces valine 332 with leucine.
Molecular consequence: missense variant. On other transcripts: non-coding transcript variant (1), intron variant (2).
Genome position (GRCh38, 1-based): chr7:5,989,950, C>G on the plus strand (G>C on the coding strand, the complement: PMS2 is on the minus strand). VCF-style: chr7-5989950-C-G. GRCh37 (hg19) VCF-style: chr7-6029581-C-G.
Other names: c.589G>C, p.Val197Leu (NM_001322003.2, NM_001322004.2, NM_001322005.2 and 1 more transcripts); c.676G>C, p.Val226Leu (NM_001322007.2, NM_001322008.2); c.61G>C, p.Val21Leu (NM_001322011.2, NM_001322012.2); c.421G>C, p.Val141Leu (NM_001322013.2); c.994G>C, p.Val332Leu (NM_001322014.2); c.685G>C, p.Val229Leu (NM_001322015.2); c.583+2023G>C (NM_001322010.2); c.988+2023G>C (NM_001322006.2); short protein forms V229L, V21L, V141L, V197L, V226L, V332L.
Identifiers: ClinVar variation 650062 (VCV000650062.9), dbSNP rs1236095389, ClinGen allele CA366743031.
Genomic context (GRCh38, chr7:5,989,950, plus strand): 5'-ACAAAAGCTTTTCCTCTTGTAGCAAAATTTGCCTTTTATCTGGAGTAACATTGATATCAA[C>G]GCATTCTAAGGCAAAAAAGAAAACATATTTATTATGTTTAAATTCACTTTTATTTTATTT-3'
Protein context (NP_000526.2, residues 322-342): VLNISVDSEC[Val332Leu]DINVTPDKRQ